The following is an entry in ClinVar:

ClinVar aggregate classification (germline): Conflicting classifications of pathogenicity. Review status: criteria provided, conflicting classifications (1 of 4 stars). 6 submissions from 5 submitters: Uncertain significance (5); Likely benign (1). Last evaluated 2026-01-05.

Conditions:
Cardiovascular phenotype. Identifiers: MedGen CN230736.
Hypertrichotic osteochondrodysplasia Cantu type. Also called: Cantú Syndrome; Cantu Syndrome. Identifiers: Orphanet 1517, MedGen C0795905, MONDO:0009406, OMIM 239850.
Dilated cardiomyopathy 1O (CMD1O). Also called: CARDIOMYOPATHY, DILATED, WITH VENTRICULAR TACHYCARDIA. Identifiers: Orphanet 154, MedGen C1837839, MONDO:0012062, OMIM 608569.

Allele frequency attached by ClinVar (database versions not stated): TOPMed 0.00001; gnomAD exomes 0.00003; ExAC 0.00004; ESP Exome Variant Server 0.00008.
gnomAD v4.1: 31 of 1,613,892 alleles (0.0019%); highest among the groups gnomAD compares: Middle Eastern, 0.033%; no homozygotes.

Submissions (6):

Labcorp Genetics (formerly Invitae), Labcorp
Classification: Uncertain significance for Dilated cardiomyopathy 1O. Last evaluated: 2026-01-05. Review status: criteria provided, single submitter. Criteria: Invitae Variant Classification Sherloc (09022015). Collection method: clinical testing. Allele origin: germline.
Comment: This sequence change replaces arginine, which is basic and polar, with cysteine, which is neutral and slightly polar, at codon 661 of the ABCC9 protein (p.Arg661Cys). This variant is present in population databases (rs199499109, gnomAD 0.004%). This variant has not been reported in the literature in individuals affected with ABCC9-related conditions. ClinVar contains an entry for this variant (Variation ID: 191589). Invitae Evidence Modeling of protein sequence and biophysical properties (such as structural, functional, and spatial information, amino acid conservation, physicochemical variation, residue mobility, and thermodynamic stability) has been performed for this missense variant. However, the output from this modeling did not meet the statistical confidence thresholds required to predict the impact of this variant on ABCC9 protein function. In summary, the available evidence is currently insufficient to determine the role of this variant in disease. Therefore, it has been classified as a Variant of Uncertain Significance.

Ambry Genetics
Classification: Uncertain significance for Cardiovascular phenotype. Last evaluated: 2025-11-14. Review status: criteria provided, single submitter. Criteria: Ambry Variant Classification Scheme 2023. Collection method: clinical testing. Allele origin: germline.
Comment: The p.R661C variant (also known as c.1981C>T), located in coding exon 14 of the ABCC9 gene, results from a C to T substitution at nucleotide position 1981. The arginine at codon 661 is replaced by cysteine, an amino acid with highly dissimilar properties. This amino acid position is well conserved in available vertebrate species. In addition, the in silico prediction for this alteration is inconclusive. Based on the available evidence, the clinical significance of this variant remains unclear.

Blueprint Genetics
Classification: Likely benign. Last evaluated: 2023-08-30. Review status: criteria provided, single submitter. Criteria: ACMG Guidelines, 2015. Collection method: clinical testing. Allele origin: germline.

Illumina Laboratory Services, Illumina
Classification: Uncertain significance for Hypertrichotic osteochondrodysplasia Cantu type. Last evaluated: 2018-01-13. Review status: criteria provided, single submitter. Criteria: ICSL Variant Classification Criteria 13 December 2019. Collection method: clinical testing. Allele origin: germline.

Illumina Laboratory Services, Illumina
Classification: Uncertain significance for Dilated cardiomyopathy 1O. Last evaluated: 2018-01-13. Review status: criteria provided, single submitter. Criteria: ICSL Variant Classification Criteria 13 December 2019. Collection method: clinical testing. Allele origin: germline.

Biesecker Lab/Clinical Genomics Section, National Institutes of Health
Classification: Uncertain significance. Last evaluated: 2013-06-24. Review status: criteria provided, single submitter. Criteria: Ng et al. (Circ Cardiovasc Genet. 2013). Collection method: research. Allele origin: unknown. Observed: 1 variant allele. Study: ClinSeq.
Comment: The study set was not selected for affection status in relation to any cancer. Pathogenicity categories were based on literature curation. See Pubmed ID:23861362 for details.

Medical sequencing

NM_020297.4(ABCC9):c.1981C>T (p.Arg661Cys)

Gene: ABCC9 (ATP binding cassette subfamily C member 9; minus strand). Cytogenetic location: 12p12.1.
Variant type: single nucleotide variant.
Coding change: c.1981C>T on transcript NM_020297.4 (MANE Select); coding-DNA position 1981, C replaced by T.
Protein change: p.Arg661Cys; replaces arginine 661 with cysteine.
Molecular consequence: missense variant.
Genome position (GRCh38, 1-based): chr12:21,882,804, G>A on the plus strand (C>T on the coding strand, the complement: ABCC9 is on the minus strand). VCF-style: chr12-21882804-G-A. GRCh37 (hg19) VCF-style: chr12-22035738-G-A.
Other names: c.1981C>T, p.Arg661Cys (NM_001377273.1, NM_005691.4); c.1117C>T, p.Arg373Cys (NM_001377274.1); short protein forms R661C, R373C.
Identifiers: ClinVar variation 191589 (VCV000191589.13), dbSNP rs199499109, ClinGen allele CA237003.